The following is an entry in ClinVar:

ClinVar aggregate classification (germline): Uncertain significance (1 of 4 stars; one submission).

Conditions:
Myopathy, proximal, and ophthalmoplegia (CMYO6). Also called: MYOPATHY WITH CONGENITAL JOINT CONTRACTURES, OPHTHALMOPLEGIA, AND RIMMED VACUOLES; INCLUSION BODY MYOPATHY 3, AUTOSOMAL DOMINANT; CONGENITAL MYOPATHY 6 WITH OPHTHALMOPLEGIA. Identifiers: Orphanet 363677, Orphanet 79091, MedGen C1854106, MONDO:0011577, OMIM 605637.

Allele frequency attached by ClinVar (database versions not stated): TOPMed 0.00001.

Submission:

Labcorp Genetics (formerly Invitae), Labcorp
Classification: Uncertain significance for Myopathy, proximal, and ophthalmoplegia. Last evaluated: 2020-10-28. Review status: criteria provided, single submitter. Criteria: Invitae Variant Classification Sherloc (09022015). Collection method: clinical testing. Allele origin: germline.
Comment: This variant has not been reported in the literature in individuals with MYH2-related conditions. In summary, the available evidence is currently insufficient to determine the role of this variant in disease. Therefore, it has been classified as a Variant of Uncertain Significance. Algorithms developed to predict the effect of missense changes on protein structure and function (SIFT, PolyPhen-2, Align-GVGD) all suggest that this variant is likely to be disruptive, but these predictions have not been confirmed by published functional studies and their clinical significance is uncertain. This variant is not present in population databases (ExAC no frequency). This sequence change replaces proline with threonine at codon 844 of the MYH2 protein (p.Pro844Thr). The proline residue is highly conserved and there is a small physicochemical difference between proline and threonine.

NM_017534.6(MYH2):c.2530C>A (p.Pro844Thr)

Genes: MYHAS (myosin heavy chain gene cluster antisense RNA; plus strand), MYH2 (myosin heavy chain 2; minus strand). Cytogenetic location: 17p13.1.
Variant type: single nucleotide variant.
Coding change: c.2530C>A on transcript NM_017534.6 (MANE Select); coding-DNA position 2530, C replaced by A.
Protein change: p.Pro844Thr; replaces proline 844 with threonine.
Molecular consequence: missense variant.
Genome position (GRCh38, 1-based): chr17:10,531,800, G>T on the plus strand (C>A on the coding strand, the complement: MYH2 is on the minus strand). VCF-style: chr17-10531800-G-T. GRCh37 (hg19) VCF-style: chr17-10435117-G-T.
Other names: c.2530C>A, p.Pro844Thr (NM_001100112.2); short protein forms P844T.
Identifiers: ClinVar variation 1020648 (VCV001020648.5), dbSNP rs1328752239, ClinGen allele CA398146140.